The following is an entry in ClinVar:

ClinVar aggregate classification (germline): Likely benign. Review status: criteria provided, single submitter (1 of 4 stars). 2 submissions from 2 submitters: Likely benign (1). 1 of the submissions does not count toward it. Last evaluated 2024-06-12.

Conditions:
Holoprosencephaly 5 (HPE5). Identifiers: Orphanet 2162, MedGen C1864827, MONDO:0012322, OMIM 609637.
ZIC2-related disorder. Also called: ZIC2-related condition.

Allele frequency attached by ClinVar (database versions not stated): gnomAD exomes below 0.00001.
gnomAD v4.1: 1 of 1,465,252 alleles (0.000068%); no homozygotes.

Submissions (2):

Labcorp Genetics (formerly Invitae), Labcorp
Classification: Likely benign for Holoprosencephaly 5. Last evaluated: 2024-06-12. Review status: criteria provided, single submitter. Criteria: Invitae Variant Classification Sherloc (09022015). Collection method: clinical testing. Allele origin: germline.

PreventionGenetics, part of Exact Sciences
Classification: Likely benign for ZIC2-related condition. Last evaluated: 2020-06-01. Review status: no assertion criteria provided. Collection method: clinical testing. Allele origin: germline. Not counted in ClinVar's aggregate classification.
Comment: This variant is classified as likely benign based on ACMG/AMP sequence variant interpretation guidelines (Richards et al. 2015 PMID: 25741868, with internal and published modifications).

NM_007129.5(ZIC2):c.273T>C (p.Ala91=)

Gene: ZIC2 (Zic family zinc finger 2; plus strand). Cytogenetic location: 13q32.3.
Variant type: single nucleotide variant.
Coding change: c.273T>C on transcript NM_007129.5 (MANE Select); coding-DNA position 273, T replaced by C.
Protein change: p.Ala91=; no amino-acid change (alanine 91 retained).
Molecular consequence: synonymous variant.
Genome position (GRCh38, 1-based): chr13:99,982,337, T>C. VCF-style: chr13-99982337-T-C. GRCh37 (hg19) VCF-style: chr13-100634591-T-C.
Identifiers: ClinVar variation 3056551 (VCV003056551.4), dbSNP rs2501542405, ClinGen allele CA484760068.